The following is an entry in ClinVar:

ClinVar aggregate classification (germline): Likely benign. Review status: criteria provided, multiple submitters, no conflicts (2 of 4 stars). 3 submissions from 3 submitters: Likely benign (3). Last evaluated 2024-11-25.

Conditions:
Congenital myasthenic syndrome 8. Also called: MYASTHENIC SYNDROME, CONGENITAL, DUE TO AGRIN DEFICIENCY; Myasthenic syndrome, congenital, 8, with pre- and postsynaptic defects. Identifiers: Orphanet 590, MedGen C3808739, MONDO:0014052, OMIM 615120.

Allele frequency attached by ClinVar (database versions not stated): 1000 Genomes Project 0.00040; ESP Exome Variant Server 0.00046; 1000 Genomes Project 30x 0.00047; gnomAD exomes 0.00104 and 0.00172; gnomAD 0.00105 and 0.00106; ExAC 0.00110; TOPMed 0.00110.
gnomAD v4.1: 2,644 of 1,611,352 alleles (0.16%); highest among the groups gnomAD compares: Non-Finnish European, 0.21%; 4 homozygotes.

Submissions (3):

Blueprint Genetics
Classification: Likely benign. Last evaluated: 2024-11-25. Review status: criteria provided, single submitter. Criteria: ACMG Guidelines, 2015. Collection method: clinical testing. Allele origin: germline.

CeGaT Center for Human Genetics Tuebingen
Classification: Likely benign. Last evaluated: 2023-05-01. Review status: criteria provided, single submitter. Criteria: CeGaT Center For Human Genetics Tuebingen Variant Classification Criteria Version 2. Collection method: clinical testing. Allele origin: germline. Affected: yes. Observed: 3 variant alleles.
Comment: AGRN: BP4, BS1

Labcorp Genetics (formerly Invitae), Labcorp
Classification: Likely benign for Myasthenic syndrome, congenital, 8. Last evaluated: 2019-12-31. Review status: criteria provided, single submitter. Criteria: Invitae Variant Classification Sherloc (09022015). Collection method: clinical testing. Allele origin: germline.

NM_198576.4(AGRN):c.1178-7G>A

Gene: AGRN (agrin; plus strand). Cytogenetic location: 1p36.33.
Variant type: single nucleotide variant.
Coding change: c.1178-7G>A on transcript NM_198576.4 (MANE Select); 7 bases into the intron before coding-DNA position 1178, G replaced by A.
Molecular consequence: intron variant.
Genome position (GRCh38, 1-based): chr1:1,041,949, G>A. VCF-style: chr1-1041949-G-A. GRCh37 (hg19) VCF-style: chr1-977329-G-A.
Other names: c.1178-7G>A (NM_001305275.2); c.863-7G>A (NM_001364727.2).
Identifiers: ClinVar variation 786714 (VCV000786714.29), dbSNP rs200932219, ClinGen allele CA508063.
Genomic context (GRCh38, chr1:1,041,949, plus strand): 5'-GCACATCCCAGGGCAGGGATGGAGGGTGCTCCAGCCTCTCCGTGACTCCCTCACCCCTGC[G>A]TCCTAGACCAGTGCCCGGAGCCCTGCCGGTTCAATGCCGTGTGCCTGTCCCGCCGTGGCC-3'